The following is an entry in ClinVar:

NM_199420.4(POLQ):c.5459G>A (p.Ser1820Asn)

Gene: POLQ (DNA polymerase theta; minus strand). Cytogenetic location: 3q13.33.
Variant type: single nucleotide variant.
Coding change: c.5459G>A on transcript NM_199420.4 (MANE Select); coding-DNA position 5459, G replaced by A.
Protein change: p.Ser1820Asn; replaces serine 1820 with asparagine.
Molecular consequence: missense variant.
Genome position (GRCh38, 1-based): chr3:121,487,472, C>T on the plus strand (G>A on the coding strand, the complement: POLQ is on the minus strand). VCF-style: chr3-121487472-C-T. GRCh37 (hg19) VCF-style: chr3-121206319-C-T.
Other names: short protein forms S1820N.
Identifiers: ClinVar variation 2497188 (VCV002497188.2), dbSNP rs2048021509, ClinGen allele CA354090140.

ClinVar aggregate classification (germline): Uncertain significance (1 of 4 stars; one submission).

Allele frequency attached by ClinVar (database versions not stated): gnomAD exomes below 0.00001.
gnomAD v4.1: 1 of 1,614,054 alleles (0.000062%); highest among the groups gnomAD compares: Non-Finnish European, 0.000085%; no homozygotes.

Submission:

Ambry Genetics
Classification: Uncertain significance. Last evaluated: 2023-02-18. Review status: criteria provided, single submitter. Criteria: Ambry Variant Classification Scheme 2023. Collection method: clinical testing. Allele origin: germline.
Comment: The p.S1820N variant (also known as c.5459G>A), located in coding exon 16 of the POLQ gene, results from a G to A substitution at nucleotide position 5459. The serine at codon 1820 is replaced by asparagine, an amino acid with highly similar properties. This amino acid position is conserved. In addition, this alteration is predicted to be tolerated by in silico analysis. Since supporting evidence is limited at this time, the clinical significance of this alteration remains unclear.